The following is an entry in ClinVar:

ClinVar aggregate classification (germline): Uncertain significance (1 of 4 stars; one submission).

Allele frequency attached by ClinVar (database versions not stated): gnomAD exomes below 0.00001; gnomAD 0.00001; ExAC 0.00003.
gnomAD v4.1: 4 of 1,581,202 alleles (0.00025%); highest among the groups gnomAD compares: Admixed American, 0.0069%; no homozygotes.

Submission:

Labcorp Genetics (formerly Invitae), Labcorp
Classification: Uncertain significance. Last evaluated: 2022-10-17. Review status: criteria provided, single submitter. Criteria: Invitae Variant Classification Sherloc (09022015). Collection method: clinical testing. Allele origin: germline.
Comment: In summary, the available evidence is currently insufficient to determine the role of this variant in disease. Therefore, it has been classified as a Variant of Uncertain Significance. Algorithms developed to predict the effect of missense changes on protein structure and function output the following: SIFT: "Tolerated"; PolyPhen-2: "Benign"; Align-GVGD: "Class C0". The threonine amino acid residue is found in multiple mammalian species, which suggests that this missense change does not adversely affect protein function. This variant has not been reported in the literature in individuals affected with SLC34A3-related conditions. The frequency data for this variant in the population databases is considered unreliable, as metrics indicate poor data quality at this position in the gnomAD database. This sequence change replaces proline, which is neutral and non-polar, with threonine, which is neutral and polar, at codon 303 of the SLC34A3 protein (p.Pro303Thr).

NM_001177316.2(SLC34A3):c.907C>A (p.Pro303Thr)

Gene: SLC34A3 (solute carrier family 34 member 3; plus strand). Cytogenetic location: 9q34.3.
Variant type: single nucleotide variant.
Coding change: c.907C>A on transcript NM_001177316.2 (MANE Select); coding-DNA position 907, C replaced by A.
Protein change: p.Pro303Thr; replaces proline 303 with threonine.
Molecular consequence: missense variant.
Genome position (GRCh38, 1-based): chr9:137,233,923, C>A. VCF-style: chr9-137233923-C-A. GRCh37 (hg19) VCF-style: chr9-140128375-C-A.
Other names: c.907C>A, p.Pro303Thr (NM_001177317.2, NM_080877.3); short protein forms P303T.
Identifiers: ClinVar variation 1910020 (VCV001910020.3), dbSNP rs760586638, ClinGen allele CA5364652.
Genomic context (GRCh38, chr9:137,233,923, plus strand): 5'-ACCCAGGAGAACAGCAGCTGTGGCGCCTTCGGCCCGTGCACAGAGAAGAACAGCACAGCC[C>A]CGGCGGACAGGCTGCCCTGTGAGGCCCGGCCCACCCCAAGCCCCCTACACCCCCCACACT-3'
Protein context (NP_001170787.2, residues 293-313): GPCTEKNSTA[Pro303Thr]ADRLPCRHLF